The following is an entry in ClinVar:

ClinVar aggregate classification (germline): Uncertain significance. Review status: criteria provided, multiple submitters, no conflicts (2 of 4 stars). 2 submissions from 2 submitters: Uncertain significance (2). Last evaluated 2025-12-13.

Conditions:
POLD1-related polyposis and colorectal cancer syndrome (CRCS10). Also called: COLORECTAL CANCER, SUSCEPTIBILITY TO, ON CHROMOSOME 19q; Colorectal cancer 10; Colorectal cancer, susceptibility to, 10. Identifiers: Orphanet 220460, MedGen C2675481, MONDO:0012953, OMIM 612591.
Hereditary cancer-predisposing syndrome. Also called: Neoplastic Syndromes, Hereditary; Tumor predisposition; Hereditary neoplastic syndrome; Hereditary Cancer Syndrome. Identifiers: Orphanet 140162, MedGen C0027672, MeSH D009386, MONDO:0015356.

Submissions (2):

Labcorp Genetics (formerly Invitae), Labcorp
Classification: Uncertain significance for POLD1-related polyposis and colorectal cancer syndrome. Last evaluated: 2025-12-13. Review status: criteria provided, single submitter. Criteria: Invitae Variant Classification Sherloc (09022015). Collection method: clinical testing. Allele origin: germline.
Comment: This sequence change replaces serine, which is neutral and polar, with threonine, which is neutral and polar, at codon 118 of the POLD1 protein (p.Ser118Thr). This variant is not present in population databases (gnomAD no frequency). This variant has not been reported in the literature in individuals affected with POLD1-related conditions. ClinVar contains an entry for this variant (Variation ID: 1732355). An algorithm developed to predict the effect of missense changes on protein structure and function (PolyPhen-2) suggests that this variant is likely to be tolerated. In summary, the available evidence is currently insufficient to determine the role of this variant in disease. Therefore, it has been classified as a Variant of Uncertain Significance.

Ambry Genetics
Classification: Uncertain significance for Hereditary cancer-predisposing syndrome. Last evaluated: 2024-05-25. Review status: criteria provided, single submitter. Criteria: Ambry Variant Classification Scheme 2023. Collection method: clinical testing. Allele origin: germline.
Comment: The p.S118T variant (also known as c.352T>A), located in coding exon 3 of the POLD1 gene, results from a T to A substitution at nucleotide position 352. The serine at codon 118 is replaced by threonine, an amino acid with similar properties. This amino acid position is conserved. In addition, this alteration is predicted to be tolerated by in silico analysis. Since supporting evidence is limited at this time, the clinical significance of this alteration remains unclear.

NM_002691.4(POLD1):c.352T>A (p.Ser118Thr)

Gene: POLD1 (DNA polymerase delta 1, catalytic subunit; plus strand). Cytogenetic location: 19q13.33.
Variant type: single nucleotide variant.
Coding change: c.352T>A on transcript NM_002691.4 (MANE Select); coding-DNA position 352, T replaced by A.
Protein change: p.Ser118Thr; replaces serine 118 with threonine.
Molecular consequence: missense variant. On other transcripts: non-coding transcript variant (1).
Genome position (GRCh38, 1-based): chr19:50,401,813, T>A. VCF-style: chr19-50401813-T-A. GRCh37 (hg19) VCF-style: chr19-50905070-T-A.
Other names: c.352T>A, p.Ser118Thr (NM_001256849.1, NM_001308632.1); short protein forms S118T.
Identifiers: ClinVar variation 1732355 (VCV001732355.6), dbSNP rs2513955262, ClinGen allele CA406972208.
Genomic context (GRCh38, chr19:50,401,813, plus strand): 5'-GCTGTCTTACCCTGTGACCCCACAGGCCCAGCGCAGCCTGTGCCTGGGGGGCCCCCACCA[T>A]CCCGCGGCTCCGTGCCTGTGCTCCGCGCCTTCGGGGTCACCGATGAGGGGTTCTCTGTCT-3'
Protein context (NP_002682.2, residues 108-128): AQPVPGGPPP[Ser118Thr]RGSVPVLRAF